The following is an entry in ClinVar:

ClinVar aggregate classification (germline): Benign. Review status: criteria provided, multiple submitters, no conflicts (2 of 4 stars). 13 submissions from 13 submitters: Benign (9). 4 of the submissions do not count toward it. Last evaluated 2026-02-03.

Conditions:
Norman-Roberts syndrome (LIS2). Also called: Lissencephaly 2 (Norman-Roberts type). Identifiers: Orphanet 89844, MedGen C0796089, MONDO:0009760, OMIM 257320.
Familial temporal lobe epilepsy 7. Identifiers: Orphanet 101046, MedGen C4225327, MONDO:0014639, OMIM 616436.

Allele frequency attached by ClinVar (database versions not stated): gnomAD exomes 0.10333 and 0.13246; ExAC 0.13892; gnomAD 0.17393 and 0.17444; ESP Exome Variant Server 0.17477; TOPMed 0.18481; 1000 Genomes Project 0.23163; 1000 Genomes Project 30x 0.23720.
gnomAD v4.1: 178,541 of 1,613,946 alleles (11%); highest among the groups gnomAD compares: African/African-American, 35%; 13,521 homozygotes.

Submissions (13):

Labcorp Genetics (formerly Invitae), Labcorp
Classification: Benign for Familial temporal lobe epilepsy 7; Norman-Roberts syndrome. Last evaluated: 2026-02-03. Review status: criteria provided, single submitter. Criteria: Invitae Variant Classification Sherloc (09022015). Collection method: clinical testing. Allele origin: germline.

Blueprint Genetics
Classification: Benign. Last evaluated: 2024-11-27. Review status: criteria provided, single submitter. Criteria: ACMG Guidelines, 2015. Collection method: clinical testing. Allele origin: germline.

Genome-Nilou Lab
Classification: Benign for Norman-Roberts syndrome. Last evaluated: 2021-11-07. Review status: criteria provided, single submitter. Criteria: ACMG Guidelines, 2015. Collection method: clinical testing. Allele origin: germline. Affected: no.

Mayo Clinic Laboratories, Mayo Clinic
Classification: Benign. Last evaluated: 2018-04-10. Review status: criteria provided, single submitter. Criteria: ACMG Guidelines, 2015. Collection method: clinical testing. Allele origin: germline. Observed: 119 variant alleles.

Illumina Laboratory Services, Illumina
Classification: Benign for Norman-Roberts syndrome. Last evaluated: 2018-01-12. Review status: criteria provided, single submitter. Criteria: ICSL Variant Classification Criteria 13 December 2019. Collection method: clinical testing. Allele origin: germline.
Comment: This variant was observed in the ICSL laboratory as part of a predisposition screen in an ostensibly healthy population. It had not been previously curated by ICSL or reported in the Human Gene Mutation Database (HGMD: prior to June 1st, 2018), and was therefore a candidate for classification through an automated scoring system. Utilizing variant allele frequency, disease prevalence and penetrance estimates, and inheritance mode, an automated score was calculated to assess if this variant is too frequent to cause the disease. Based on the score and internal cut-off values, a variant classified as benign is not then subjected to further curation. The score for this variant resulted in a classification of benign for this disease.

GeneDx
Classification: Benign. Last evaluated: 2015-03-03. Review status: criteria provided, single submitter. Criteria: GeneDx Variant Classification Process June 2021. Collection method: clinical testing. Allele origin: germline. Affected: yes.

Eurofins Ntd Llc (ga)
Classification: Benign. Last evaluated: 2012-07-03. Review status: criteria provided, single submitter. Criteria: EGL Classification Definitions 2015. Collection method: clinical testing. Allele origin: germline. Observed: 3 variant alleles, 2 heterozygotes, 1 homozygote.

Breakthrough Genomics
Classification: Benign. Review status: criteria provided, single submitter. Criteria: ACMG Guidelines, 2015. Collection method: not provided. Allele origin: germline. Inheritance: Autosomal recessive inheritance. Affected: yes.

PreventionGenetics, part of Exact Sciences
Classification: Benign. Review status: criteria provided, single submitter. Criteria: ACMG Guidelines, 2015. Collection method: clinical testing. Allele origin: germline.

Clinical Genetics DNA and cytogenetics Diagnostics Lab, Erasmus MC, Erasmus Medical Center
Classification: Benign. Review status: no assertion criteria provided. Collection method: clinical testing. Allele origin: germline. Affected: yes. Study: VKGL Data-share Consensus. Not counted in ClinVar's aggregate classification.

Clinical Genetics, Academic Medical Center
Classification: Benign. Review status: no assertion criteria provided. Collection method: clinical testing. Allele origin: germline. Affected: yes. Study: VKGL Data-share Consensus. Not counted in ClinVar's aggregate classification.

Diagnostic Laboratory, Department of Genetics, University Medical Center Groningen
Classification: Benign for Norman-Roberts syndrome. Review status: no assertion criteria provided. Collection method: clinical testing. Allele origin: germline. Affected: yes. Study: VKGL Data-share Consensus. Not counted in ClinVar's aggregate classification.

Genetic Services Laboratory, University of Chicago
Classification: Likely benign for AllHighlyPenetrant. Review status: no assertion criteria provided. Collection method: clinical testing. Allele origin: germline. Inheritance: Autosomal recessive inheritance. Not counted in ClinVar's aggregate classification.
Comment: Likely benign based on allele frequency in 1000 Genomes Project or ESP global frequency and its presence in a patient with a rare or unrelated disease phenotype. NOT Sanger confirmed.

NM_005045.4(RELN):c.10074A>G (p.Ala3358=)

Genes: RELN (reelin; minus strand), SLC26A5-AS1 (SLC26A5 antisense RNA 1; plus strand). Cytogenetic location: 7q22.1.
Variant type: single nucleotide variant.
Coding change: c.10074A>G on transcript NM_005045.4 (MANE Select); coding-DNA position 10074, A replaced by G.
Protein change: p.Ala3358=; no amino-acid change (alanine 3358 retained).
Molecular consequence: synonymous variant.
Genome position (GRCh38, 1-based): chr7:103,483,760, T>C on the plus strand (A>G on the coding strand, the complement: RELN is on the minus strand). VCF-style: chr7-103483760-T-C. GRCh37 (hg19) VCF-style: chr7-103124207-T-C.
Other names: p.Ala3358=; c.10074A>G, p.Ala3358= (NM_173054.3).
Identifiers: ClinVar variation 95209 (VCV000095209.31), dbSNP rs1062831, ClinGen allele CA148334.